The following is an entry in ClinVar:

NM_020436.5(SALL4):c.2557C>G (p.Pro853Ala)

Gene: SALL4 (spalt like transcription factor 4; minus strand). Cytogenetic location: 20q13.2.
Variant type: single nucleotide variant.
Coding change: c.2557C>G on transcript NM_020436.5 (MANE Select); coding-DNA position 2557, C replaced by G.
Protein change: p.Pro853Ala; replaces proline 853 with alanine.
Molecular consequence: missense variant.
Genome position (GRCh38, 1-based): chr20:51,789,046, G>C on the plus strand (C>G on the coding strand, the complement: SALL4 is on the minus strand). VCF-style: chr20-51789046-G-C. GRCh37 (hg19) VCF-style: chr20-50405585-G-C.
Other names: c.1246C>G, p.Pro416Ala (NM_001318031.2); short protein forms P853A, P416A.
Identifiers: ClinVar variation 4722896 (VCV004722896.1).

ClinVar aggregate classification (germline): Uncertain significance (1 of 4 stars; one submission).

Conditions:
Duane-radial ray syndrome (DRRS). Also called: ACRORENOOCULAR SYNDROME; DR SYNDROME; DUANE ANOMALY WITH RADIAL RAY ABNORMALITIES AND DEAFNESS; Okihiro Syndrome; Duane-Radial Ray Syndrome/Okihiro Syndrome; Duane-Radial Ray Syndrome (DRRS) / Okihiro Syndrome. Identifiers: Orphanet 93293, Orphanet 959, MedGen C1623209, MONDO:0011812, OMIM 607323. Disease mechanism: gain of function.

Submission:

Labcorp Genetics (formerly Invitae), Labcorp
Classification: Uncertain significance for Duane-radial ray syndrome. Last evaluated: 2025-07-24. Review status: criteria provided, single submitter. Criteria: Invitae Variant Classification Sherloc (09022015). Collection method: clinical testing. Allele origin: germline.
Comment: This sequence change replaces proline, which is neutral and non-polar, with alanine, which is neutral and non-polar, at codon 853 of the SALL4 protein (p.Pro853Ala). This variant is not present in population databases (gnomAD no frequency). This variant has not been reported in the literature in individuals affected with SALL4-related conditions. An algorithm developed to predict the effect of missense changes on protein structure and function (PolyPhen-2) suggests that this variant is likely to be tolerated. In summary, the available evidence is currently insufficient to determine the role of this variant in disease. Therefore, it has been classified as a Variant of Uncertain Significance.